The following is an entry in ClinVar:

NM_000426.4(LAMA2):c.216T>C (p.His72=)

Gene: LAMA2 (laminin subunit alpha 2; plus strand). Cytogenetic location: 6q22.33.
Variant type: single nucleotide variant.
Coding change: c.216T>C on transcript NM_000426.4 (MANE Select); coding-DNA position 216, T replaced by C.
Protein change: p.His72=; no amino-acid change (histidine 72 retained).
Molecular consequence: synonymous variant.
Genome position (GRCh38, 1-based): chr6:129,050,021, T>C. VCF-style: chr6-129050021-T-C. GRCh37 (hg19) VCF-style: chr6-129371166-T-C.
Other names: c.216T>C, p.His72= (NM_001079823.2).
Identifiers: ClinVar variation 743877 (VCV000743877.13), dbSNP rs376658270, ClinGen allele CA3992246.
Genomic context (GRCh38, chr6:129,050,021, plus strand): 5'-CACGACCAATGCAACATGTGGAGAAAAAGGACCTGAAATGTACTGCAAATTGGTAGAACA[T>C]GTCCCTGGGCAGCCTGTGAGGAACCCGCAGTGTCGAATCTGCAATCAAAACAGCAGCAAT-3'
Protein context (NP_000417.3, residues 62-82): GPEMYCKLVE[His72=]VPGQPVRNPQ

ClinVar aggregate classification (germline): Likely benign. Review status: criteria provided, multiple submitters, no conflicts (2 of 4 stars). 3 submissions from 3 submitters: Likely benign (3). Last evaluated 2026-01-28.

Conditions:
LAMA2-related muscular dystrophy (LAMA2-RD). Also called: Laminin alpha 2-related dystrophy. Identifiers: MedGen C5679788, MONDO:0100228.
LAMA2-related disorder. Also called: LAMA2-related disorders; LAMA2-related condition.

Allele frequency attached by ClinVar (database versions not stated): gnomAD 0.00003 and 0.00002; gnomAD exomes 0.00003 and 0.00006; ExAC 0.00003; TOPMed 0.00003; ESP Exome Variant Server 0.00008.
gnomAD v4.1: 50 of 1,614,018 alleles (0.0031%); highest among the groups gnomAD compares: Middle Eastern, 0.21%; no homozygotes.

Submissions (3):

Labcorp Genetics (formerly Invitae), Labcorp
Classification: Likely benign for LAMA2-related muscular dystrophy. Last evaluated: 2026-01-28. Review status: criteria provided, single submitter. Criteria: Invitae Variant Classification Sherloc (09022015). Collection method: clinical testing. Allele origin: germline.

PreventionGenetics, part of Exact Sciences
Classification: Likely benign for LAMA2-related condition. Last evaluated: 2025-03-02. Review status: criteria provided, single submitter. Criteria: ACMG Guidelines, 2015. Collection method: clinical testing. Allele origin: germline.
Comment: This variant is classified as likely benign based on ACMG/AMP sequence variant interpretation guidelines (Richards et al. 2015 PMID: 25741868, with internal and published modifications).

Breakthrough Genomics
Classification: Likely benign. Review status: criteria provided, single submitter. Criteria: ACMG Guidelines, 2015. Collection method: not provided. Allele origin: germline. Inheritance: Autosomal recessive inheritance. Affected: yes.